The following is an entry in ClinVar:

NM_003247.5(THBS2):c.793G>A (p.Val265Met)

Gene: THBS2 (thrombospondin 2; minus strand). Cytogenetic location: 6q27.
Variant type: single nucleotide variant.
Coding change: c.793G>A on transcript NM_003247.5 (MANE Select); coding-DNA position 793, G replaced by A.
Protein change: p.Val265Met; replaces valine 265 with methionine.
Molecular consequence: missense variant. On other transcripts: non-coding transcript variant (2).
Genome position (GRCh38, 1-based): chr6:169,241,860, C>T on the plus strand (G>A on the coding strand, the complement: THBS2 is on the minus strand). VCF-style: chr6-169241860-C-T. GRCh37 (hg19) VCF-style: chr6-169641955-C-T.
Other names: c.793G>A, p.Val265Met (NM_001381939.1, NM_001381940.1, NM_001381941.1); c.562G>A, p.Val188Met (NM_001381942.1); short protein forms V188M, V265M.
Identifiers: ClinVar variation 4879284 (VCV004879284.1).
Genomic context (GRCh38, chr6:169,241,860, plus strand): 5'-CGTGGAGCCCCGAGAGCTCCTGGACCATGTTTCCCAGCTCCTCGCACGAGCGTTCGCACA[C>T]CTCGGGCCTCCTCTCCGAGCTGGGGCCCACGTACTCGGTGGTGACATGCGGACCCAGGCG-3'
Protein context (NP_003238.2, residues 255-275): VGPSSERRPE[Val265Met]CERSCEELGN

ClinVar aggregate classification (germline): Uncertain significance (1 of 4 stars; one submission).

Conditions:
Ehlers-Danlos syndrome, classic-like, 3. Identifiers: MedGen C5935631, MONDO:0971044, OMIM 620865.

gnomAD v4.1: 6 of 1,612,578 alleles (0.00037%); highest among the groups gnomAD compares: South Asian, 0.0033%; no homozygotes.

Submission:

Clinical Genomics Laboratory, Washington University in St. Louis
Classification: Uncertain significance for Ehlers-Danlos syndrome, classic-like, 3. Last evaluated: 2026-05-01. Review status: criteria provided, single submitter. Criteria: ACMG Guidelines, 2015. Collection method: clinical testing. Allele origin: germline.
Comment: The THBS2 c.793G>A (p.Val265Met) variant, to our knowledge, has not been reported in the medical literature. This variant is only observed in 2/249,658 alleles in the general population (gnomAD v2.1.1), indicating it is not a common variant. Computational predictors suggest that the variant does not impact THBS2 function. Due to limited information, the clinical significance of this variant is uncertain.